The following is an entry in ClinVar:

ClinVar aggregate classification (germline): Uncertain significance (1 of 4 stars; one submission).

Conditions:
COG1 congenital disorder of glycosylation (CDG2G). Also called: CDG IIg; CDGII/COG1 CEREBROCOSTOMANDIBULAR-LIKE SYNDROME; CONGENITAL DISORDER OF GLYCOSYLATION, TYPE IIg. Identifiers: Orphanet 263508, MedGen C2931011, MONDO:0012637, OMIM 611209.

Submission:

Labcorp Genetics (formerly Invitae), Labcorp
Classification: Uncertain significance for COG1 congenital disorder of glycosylation. Last evaluated: 2022-06-20. Review status: criteria provided, single submitter. Criteria: Invitae Variant Classification Sherloc (09022015). Collection method: clinical testing. Allele origin: germline.
Comment: In summary, the available evidence is currently insufficient to determine the role of this variant in disease. Therefore, it has been classified as a Variant of Uncertain Significance. Algorithms developed to predict the effect of sequence changes on RNA splicing suggest that this variant may disrupt the consensus splice site. Experimental studies and prediction algorithms are not available or were not evaluated, and the functional significance of this variant is currently unknown. This variant has not been reported in the literature in individuals affected with COG1-related conditions. This variant is present in population databases (rs766720884, gnomAD 0.0009%). This variant, c.833_835del, results in the deletion of 1 amino acid(s) of the COG1 protein (p.Glu278del), but otherwise preserves the integrity of the reading frame.

NM_018714.3(COG1):c.833_835del (p.Glu278del)

Gene: COG1 (component of oligomeric golgi complex 1; plus strand). Cytogenetic location: 17q25.1.
Variant type: Deletion.
Coding change: c.833_835del on transcript NM_018714.3 (MANE Select); coding-DNA positions 833 to 835, 3 bases deleted (AAG; older notation c.833_835delAAG).
Protein change: p.Glu278del; deletes glutamic acid 278.
Molecular consequence: inframe deletion.
Genome position (GRCh38, 1-based): chr17:73,197,316-73,197,318, AAG deleted; deleting any 3 consecutive bases within chr17:73,197,314-73,197,318 gives the same sequence; the c. name uses the placement nearest the transcript's 3' end. VCF-style (leftmost placement, unchanged base first): chr17-73197313-CAGA-C. GRCh37 (hg19) VCF-style: chr17-71193452-CAGA-C.
Other names: short protein forms E278del.
Identifiers: ClinVar variation 2180778 (VCV002180778.4), dbSNP rs766720884, ClinGen allele CA8740074.